The following is an entry in ClinVar:

NM_001018005.2(TPM1):c.170T>C (p.Leu57Pro)

Gene: TPM1 (tropomyosin 1; plus strand). Cytogenetic location: 15q22.2.
Variant type: single nucleotide variant.
Coding change: c.170T>C on transcript NM_001018005.2 (MANE Select); coding-DNA position 170, T replaced by C.
Protein change: p.Leu57Pro; replaces leucine 57 with proline.
Molecular consequence: missense variant. On other transcripts: non-coding transcript variant (12), intron variant (10).
Genome position (GRCh38, 1-based): chr15:63,044,082, T>C. VCF-style: chr15-63044082-T-C. GRCh37 (hg19) VCF-style: chr15-63336281-T-C.
Other names: c.170T>C (NM_001018005.1); c.170T>C, p.Leu57Pro (NM_001407327.1, NM_001018006.2, NM_001365776.1 and 10 more transcripts); c.296T>C, p.Leu99Pro (NM_001365778.1, NM_001407322.1, NM_001407323.1 and 1 more transcripts); c.240+251T>C (NM_001407336.1, NM_001018020.2, NM_001407338.1 and 7 more transcripts); short protein forms L57P, L99P.
Identifiers: ClinVar variation 2747687 (VCV002747687.4), dbSNP rs2542431932, ClinGen allele CA392718597.

ClinVar aggregate classification (germline): Uncertain significance. Review status: criteria provided, multiple submitters, no conflicts (2 of 4 stars). 2 submissions from 2 submitters: Uncertain significance (2). Last evaluated 2025-04-09.

Conditions:
Hypertrophic cardiomyopathy. Also called: HYPERTROPHIC MYOCARDIOPATHY. Identifiers: Orphanet 217569, MedGen C0007194, MeSH D002312, MONDO:0005045, HP:0001639.
Cardiovascular phenotype. Identifiers: MedGen CN230736.

Submissions (2):

Molecular Diagnostic Laboratory for Inherited Cardiovascular Disease, Montreal Heart Institute
Classification: Uncertain significance for Cardiovascular phenotype. Last evaluated: 2025-04-09. Review status: criteria provided, single submitter. Criteria: ACMG Guidelines, 2015. Collection method: clinical testing. Allele origin: germline. Affected: yes.

Labcorp Genetics (formerly Invitae), Labcorp
Classification: Uncertain significance for Hypertrophic cardiomyopathy. Last evaluated: 2023-07-28. Review status: criteria provided, single submitter. Criteria: Invitae Variant Classification Sherloc (09022015). Collection method: clinical testing. Allele origin: germline.
Comment: In summary, the available evidence is currently insufficient to determine the role of this variant in disease. Therefore, it has been classified as a Variant of Uncertain Significance. An algorithm developed to predict the effect of missense changes on protein structure and function (PolyPhen-2) suggests that this variant is likely to be disruptive. This variant has not been reported in the literature in individuals affected with TPM1-related conditions. This variant is not present in population databases (gnomAD no frequency). This sequence change replaces leucine, which is neutral and non-polar, with proline, which is neutral and non-polar, at codon 57 of the TPM1 protein (p.Leu57Pro).